The following is an entry in ClinVar:

NM_004655.4(AXIN2):c.799G>T (p.Val267Phe)

Gene: AXIN2 (axin 2; minus strand). Cytogenetic location: 17q24.1.
Variant type: single nucleotide variant.
Coding change: c.799G>T on transcript NM_004655.4 (MANE Select); coding-DNA position 799, G replaced by T.
Protein change: p.Val267Phe; replaces valine 267 with phenylalanine.
Molecular consequence: missense variant.
Genome position (GRCh38, 1-based): chr17:65,557,822, C>A on the plus strand (G>T on the coding strand, the complement: AXIN2 is on the minus strand). VCF-style: chr17-65557822-C-A. GRCh37 (hg19) VCF-style: chr17-63553940-C-A.
Other names: c.799G>T, p.Val267Phe (NM_001363813.1); short protein forms V267F.
Identifiers: ClinVar variation 3343582 (VCV003343582.2).

ClinVar aggregate classification (germline): Uncertain significance. Review status: criteria provided, multiple submitters, no conflicts (2 of 4 stars). 2 submissions from 2 submitters: Uncertain significance (2). Last evaluated 2026-07-06.

Conditions:
Hereditary cancer-predisposing syndrome. Also called: Tumor predisposition; Hereditary Cancer Syndrome; Hereditary neoplastic syndrome; Neoplastic Syndromes, Hereditary. Identifiers: Orphanet 140162, MedGen C0027672, MeSH D009386, MONDO:0015356.

Submissions (2):

Ambry Genetics
Classification: Uncertain significance for Hereditary cancer-predisposing syndrome. Last evaluated: 2026-07-06. Review status: criteria provided, single submitter. Criteria: Ambry Variant Classification Scheme 2023. Collection method: clinical testing. Allele origin: germline.
Comment: The p.V267F variant (also known as c.799G>T), located in coding exon 1 of the AXIN2 gene, results from a G to T substitution at nucleotide position 799. The valine at codon 267 is replaced by phenylalanine, an amino acid with highly similar properties. This amino acid position is conserved. In addition, this alteration is predicted to be tolerated by in silico analysis. Based on the available evidence, the clinical significance of this variant remains unclear.

GeneDx
Classification: Uncertain significance. Last evaluated: 2023-05-16. Review status: criteria provided, single submitter. Criteria: GeneDx Variant Classification Process June 2021. Collection method: clinical testing. Allele origin: germline. Affected: yes.
Comment: Not observed at significant frequency in large population cohorts (gnomAD); In silico analysis supports that this missense variant does not alter protein structure/function; Has not been previously published as pathogenic or benign to our knowledge